The following is an entry in ClinVar:

NM_002465.4(MYBPC1):c.1526+6C>T

Gene: MYBPC1 (myosin binding protein C1; plus strand). Cytogenetic location: 12q23.2.
Variant type: single nucleotide variant.
Coding change: c.1526+6C>T on transcript NM_002465.4 (MANE Select); 6 bases into the intron after coding-DNA position 1526, C replaced by T.
Molecular consequence: intron variant.
Genome position (GRCh38, 1-based): chr12:101,651,399, C>T. VCF-style: chr12-101651399-C-T. GRCh37 (hg19) VCF-style: chr12-102045177-C-T.
Other names: c.1526+6C>T (NM_206819.4, NM_001404675.1); c.1451+6C>T (NM_001254718.3, NM_206820.4, NM_001254719.3 and 1 more transcripts); c.1394+6C>T (NM_001254721.3, NM_001404678.1, NM_001404676.1); c.1415+6C>T (NM_001254720.3); c.1412+6C>T (NM_001254723.3); c.1373+6C>T (NM_001254722.3, NM_001404680.1); c.1316+6C>T (NM_001404679.1, NM_001404681.1, NM_001404677.1).
Identifiers: ClinVar variation 738985 (VCV000738985.8), dbSNP rs182084828, ClinGen allele CA6744809.
Genomic context (GRCh38, chr12:101,651,399, plus strand): 5'-AAAATGGCCTACCTGTTCAGGAGAGTGACCGTCTAAAGGTGGTTCACAAGGGAAGGTAAG[C>T]GAGCCAGGTGACCCGCAAGTGAGGTTTGGTCCCATTTCTACTTTCTCCATTTTCTAAATT-3'

ClinVar aggregate classification (germline): Benign/Likely benign. Review status: criteria provided, multiple submitters, no conflicts (2 of 4 stars). 3 submissions from 3 submitters: Benign (1); Likely benign (1). 1 of the submissions does not count toward it. Last evaluated 2024-11-19.

Conditions:
MYBPC1-related disorder. Also called: MYBPC1-related condition.

Allele frequency attached by ClinVar (database versions not stated): ESP Exome Variant Server 0.00046; TOPMed 0.00050; 1000 Genomes Project 30x 0.00141; 1000 Genomes Project 0.00180; gnomAD 0.00346 and 0.00364; ExAC 0.00372; gnomAD exomes 0.00392.
gnomAD v4.1: 3,556 of 1,613,906 alleles (0.22%); highest among the groups gnomAD compares: Non-Finnish European, 0.094%; 38 homozygotes.

Submissions (3):

Blueprint Genetics
Classification: Likely benign. Last evaluated: 2024-11-19. Review status: criteria provided, single submitter. Criteria: ACMG Guidelines, 2015. Collection method: clinical testing. Allele origin: germline.

Labcorp Genetics (formerly Invitae), Labcorp
Classification: Benign. Last evaluated: 2019-12-31. Review status: criteria provided, single submitter. Criteria: Invitae Variant Classification Sherloc (09022015). Collection method: clinical testing. Allele origin: germline.

PreventionGenetics, part of Exact Sciences
Classification: Likely benign for MYBPC1-related condition. Last evaluated: 2024-06-08. Review status: no assertion criteria provided. Collection method: clinical testing. Allele origin: germline. Not counted in ClinVar's aggregate classification.
Comment: This variant is classified as likely benign based on ACMG/AMP sequence variant interpretation guidelines (Richards et al. 2015 PMID: 25741868, with internal and published modifications).